The following is an entry in ClinVar:

ClinVar aggregate classification (germline): Uncertain significance (1 of 4 stars; one submission).

Conditions:
Familial adenomatous polyposis 1 (FAP1). Also called: FAMILIAL ADENOMATOUS POLYPOSIS 1, ATTENUATED; POLYPOSIS, ADENOMATOUS INTESTINAL. Identifiers: MedGen C2713442, MONDO:0021056, OMIM 175100. Disease mechanism: loss of function.

Allele frequency attached by ClinVar (database versions not stated): TOPMed 0.00001; gnomAD 0.00001.
gnomAD v4.1: 1 of 1,369,338 alleles (0.000073%); highest among the groups gnomAD compares: African/African-American, 0.0014%; no homozygotes.

Submission:

Labcorp Genetics (formerly Invitae), Labcorp
Classification: Uncertain significance for Familial adenomatous polyposis 1. Last evaluated: 2025-03-04. Review status: criteria provided, single submitter. Criteria: Invitae Variant Classification Sherloc (09022015). Collection method: clinical testing. Allele origin: germline.
Comment: This variant occurs in a non-coding region of the APC gene. It does not change the encoded amino acid sequence of the APC protein. This variant is not present in population databases (gnomAD no frequency). This variant has not been reported in the literature in individuals affected with APC-related conditions. Experimental studies and prediction algorithms are not available or were not evaluated, and the functional significance of this variant is currently unknown. In summary, the available evidence is currently insufficient to determine the role of this variant in disease. Therefore, it has been classified as a Variant of Uncertain Significance.

NM_001127511.3(APC):c.146A>G (p.His49Arg)

Gene: APC (APC regulator of Wnt signaling pathway; plus strand). Cytogenetic location: 5q22.2.
Variant type: single nucleotide variant.
Coding change: c.146A>G on transcript NM_001127511.3; coding-DNA position 146, A replaced by G.
Protein change: p.His49Arg; replaces histidine 49 with arginine.
Molecular consequence: missense variant. On other transcripts: 5 prime UTR variant (8), non-coding transcript variant (1), intron variant (5).
Genome position (GRCh38, 1-based): chr5:112,707,863, A>G. VCF-style: chr5-112707863-A-G. GRCh37 (hg19) VCF-style: chr5-112043560-A-G.
Other names: c.-38A>G (NM_001354895.2, NM_001407447.1, NM_001407452.1 and 3 more transcripts); c.146A>G, p.His49Arg (NM_001354897.2, NM_001354902.2, NM_001407446.1); c.-1073A>G (NM_001407470.1, NM_001407472.1); c.-19+214A>G (NM_001407448.1, NM_001407450.1, NM_001407457.1 and 1 more transcripts); c.-43+214A>G (NM_001407453.1); short protein forms H49R.
Identifiers: ClinVar variation 1008675 (VCV001008675.7), dbSNP rs1191401517, ClinGen allele CA360612154.